The following is an entry in ClinVar:

NM_001375524.1(TRRAP):c.277G>A (p.Val93Ile)

Gene: TRRAP (transformation/transcription domain associated protein; plus strand). Cytogenetic location: 7q22.1.
Variant type: single nucleotide variant.
Coding change: c.277G>A on transcript NM_001375524.1 (MANE Select); coding-DNA position 277, G replaced by A.
Protein change: p.Val93Ile; replaces valine 93 with isoleucine.
Molecular consequence: missense variant.
Genome position (GRCh38, 1-based): chr7:98,892,439, G>A. VCF-style: chr7-98892439-G-A. GRCh37 (hg19) VCF-style: chr7-98490062-G-A.
Other names: c.277G>A, p.Val93Ile (NM_001244580.2, NM_003496.4); short protein forms V93I.
Identifiers: ClinVar variation 3606869 (VCV003606869.2).
Genomic context (GRCh38, chr7:98,892,439, plus strand): 5'-TTGGAAGTATTTTTATCCTTACATTTATTTATTTTTTCTTGCCAGCAACTGCGGAAGCTC[G>A]TACTTGAAATAATTCATAGAATACCAACCAACGAACATCTTCGTCCTCACACAAAAAATG-3'
Protein context (NP_001362453.1, residues 83-103): EKPAQQLRKL[Val93Ile]LEIIHRIPTN

ClinVar aggregate classification (germline): Uncertain significance (1 of 4 stars; one submission).

gnomAD v4.1: 75 of 1,611,178 alleles (0.0047%); highest among the groups gnomAD compares: Non-Finnish European, 0.0061%; no homozygotes.

Submission:

Labcorp Genetics (formerly Invitae), Labcorp
Classification: Uncertain significance. Last evaluated: 2025-10-10. Review status: criteria provided, single submitter. Criteria: Invitae Variant Classification Sherloc (09022015). Collection method: clinical testing. Allele origin: germline.
Comment: This sequence change replaces valine, which is neutral and non-polar, with isoleucine, which is neutral and non-polar, at codon 93 of the TRRAP protein (p.Val93Ile). This variant is present in population databases (rs782453087, gnomAD 0.003%). This variant has not been reported in the literature in individuals affected with TRRAP-related conditions. ClinVar contains an entry for this variant (Variation ID: 3606869). Invitae Evidence Modeling of protein sequence and biophysical properties (such as structural, functional, and spatial information, amino acid conservation, physicochemical variation, residue mobility, and thermodynamic stability) indicates that this missense variant is not expected to disrupt TRRAP protein function with a negative predictive value of 80%. In summary, the available evidence is currently insufficient to determine the role of this variant in disease. Therefore, it has been classified as a Variant of Uncertain Significance.